The following is an entry in ClinVar:

NM_000548.5(TSC2):c.1899C>T (p.Asn633=)

Gene: TSC2 (TSC complex subunit 2; plus strand). Cytogenetic location: 16p13.3.
Variant type: single nucleotide variant.
Coding change: c.1899C>T on transcript NM_000548.5 (MANE Select); coding-DNA position 1899, C replaced by T.
Protein change: p.Asn633=; no amino-acid change (asparagine 633 retained).
Molecular consequence: synonymous variant.
Genome position (GRCh38, 1-based): chr16:2,071,569, C>T. VCF-style: chr16-2071569-C-T. GRCh37 (hg19) VCF-style: chr16-2121570-C-T.
Other names: c.1899C>T, p.Asn633= (NM_001077183.3, NM_001114382.3, NM_001363528.2 and 3 more transcripts); c.1788C>T, p.Asn596= (NM_001318827.2); c.1752C>T, p.Asn584= (NM_001318829.2); c.1299C>T, p.Asn433= (NM_001318831.2); c.1932C>T, p.Asn644= (NM_001318832.2).
Identifiers: ClinVar variation 1130160 (VCV001130160.12), dbSNP rs2088398113, ClinGen allele CA492950341.
Genomic context (GRCh38, chr16:2,071,569, plus strand): 5'-GGCCTTTGACTTCCTGTTGCTGCTGCGGGCCGACTCACTGCACCGCCTGGGCCTGCCCAA[C>T]AAGGATGGAGTCGTGCGGTTCAGCCCCTACTGCGTCTGCGACTACATGTACGCGGGACCT-3'
Protein context (NP_000539.2, residues 623-643): ADSLHRLGLP[Asn633=]KDGVVRFSPY

ClinVar aggregate classification (germline): Benign/Likely benign. Review status: criteria provided, multiple submitters, no conflicts (2 of 4 stars). 4 submissions from 4 submitters: Benign (1); Likely benign (3). Last evaluated 2025-11-12.

Conditions:
Tuberous sclerosis syndrome (TSC). Also called: Tuberous Sclerosis Complex; Tuberous sclerosis. Identifiers: Orphanet 805, MedGen C0041341, MONDO:0001734.
Tuberous sclerosis 2 (TSC2). Identifiers: Orphanet 805, MedGen C1860707, MONDO:0013199, OMIM 613254.
Hereditary cancer-predisposing syndrome. Also called: Neoplastic Syndromes, Hereditary; Tumor predisposition; Hereditary Cancer Syndrome; Hereditary neoplastic syndrome. Identifiers: Orphanet 140162, MedGen C0027672, MeSH D009386, MONDO:0015356.

Allele frequency attached by ClinVar (database versions not stated): gnomAD exomes below 0.00001.

Submissions (4):

Labcorp Genetics (formerly Invitae), Labcorp
Classification: Likely benign for Tuberous sclerosis 2. Last evaluated: 2025-11-12. Review status: criteria provided, single submitter. Criteria: Invitae Variant Classification Sherloc (09022015). Collection method: clinical testing. Allele origin: germline.

Color Diagnostics, LLC DBA Color Health
Classification: Likely benign for Tuberous sclerosis syndrome. Last evaluated: 2025-07-17. Review status: criteria provided, single submitter. Criteria: ACMG Guidelines, 2015. Collection method: clinical testing. Allele origin: germline.

Myriad Genetics, Inc.
Classification: Benign for Tuberous sclerosis 2. Last evaluated: 2025-05-16. Review status: criteria provided, single submitter. Criteria: Myriad Autosomal Dominant, Autosomal Recessive and X-Linked Classification Criteria (2023). Collection method: clinical testing. Allele origin: unknown.
Comment: This variant is considered benign. This variant is a silent/synonymous amino acid change and it is not expected to impact splicing.

Ambry Genetics
Classification: Likely benign for Hereditary cancer-predisposing syndrome. Last evaluated: 2022-09-24. Review status: criteria provided, single submitter. Criteria: Ambry Variant Classification Scheme 2023. Collection method: clinical testing. Allele origin: germline.